The following is an entry in ClinVar:

NM_000059.4(BRCA2):c.5903C>T (p.Ser1968Leu)

Gene: BRCA2 (BRCA2 DNA repair associated; plus strand). Cytogenetic location: 13q13.1.
Variant type: single nucleotide variant.
Coding change: c.5903C>T on transcript NM_000059.4 (MANE Select); coding-DNA position 5903, C replaced by T.
Protein change: p.Ser1968Leu; replaces serine 1968 with leucine.
Molecular consequence: missense variant.
Genome position (GRCh38, 1-based): chr13:32,340,258, C>T. VCF-style: chr13-32340258-C-T. GRCh37 (hg19) VCF-style: chr13-32914395-C-T.
Other names: short protein forms S1968L.
Identifiers: ClinVar variation 142626 (VCV000142626.26), dbSNP rs587782597, ClinGen allele CA023356.
Genomic context (GRCh38, chr13:32,340,258, plus strand): 5'-GTGATGTTAGTTTGGAAACTTCAGATATATGTAAATGTAGTATAGGGAAGCTTCATAAGT[C>T]AGTCTCATCTGCAAATACTTGTGGGATTTTTAGCACAGCAAGTGGAAAATCTGTCCAGGT-3'
Protein context (NP_000050.3, residues 1958-1978): CKCSIGKLHK[Ser1968Leu]VSSANTCGIF

ClinVar aggregate classification (germline): Conflicting classifications of pathogenicity. Review status: criteria provided, conflicting classifications (1 of 4 stars). 8 submissions from 8 submitters: Uncertain significance (6); Likely benign (2). Last evaluated 2025-11-19.

Conditions:
Familial cancer of breast. Also called: BREAST CANCER, FAMILIAL; hereditary breast carcinoma; Hereditary breast cancer. Identifiers: Orphanet 227535, MedGen C0346153, MONDO:0016419, OMIM 114480. Disease mechanism: loss of function.
Fanconi anemia complementation group D1. Also called: BRCA2-Related Fanconi Anemia. Identifiers: Orphanet 319462, MedGen C1838457, MONDO:0011584, OMIM 605724.
Medulloblastoma (MDB). Also called: Medulloblastoma, somatic; MEDULLOBLASTOMA PREDISPOSITION SYNDROME. Identifiers: Orphanet 616, MedGen C0025149, MeSH D008527, MONDO:0007959, OMIM 155255, HP:0002885.
Breast-ovarian cancer, familial, susceptibility to, 2 (BROVCA2). Also called: BRCA2 Hereditary Breast and Ovarian Cancer. Identifiers: Orphanet 145, MedGen C2675520, MONDO:0012933, OMIM 612555. Disease mechanism: loss of function.
Wilms tumor 1 (WT1). Also called: Wilms tumor, somatic. Identifiers: Orphanet 654, MedGen CN033288, MONDO:0008679, OMIM 194070.
Glioma susceptibility 3 (GLM3). Also called: Glioblastoma 3. Identifiers: Orphanet 182067, Orphanet 360, MedGen C2751641, MONDO:0013093, OMIM 613029.
Pancreatic cancer, susceptibility to, 2. Identifiers: Orphanet 1333, MedGen C3150546, MONDO:0013235, OMIM 613347.
Familial prostate cancer. Also called: Hereditary Prostate Cancer. Identifiers: MedGen C2931456, MONDO:0700275, OMIM 176807.
Hereditary cancer-predisposing syndrome. Also called: Neoplastic Syndromes, Hereditary; Hereditary neoplastic syndrome; Hereditary Cancer Syndrome; Tumor predisposition. Identifiers: Orphanet 140162, MedGen C0027672, MeSH D009386, MONDO:0015356.
Hereditary breast ovarian cancer syndrome. Also called: Breast and ovarian cancer; Hereditary breast and/or ovarian cancer syndrome; Hereditary breast and ovarian cancer syndrome; Hereditary breast and ovarian cancer syndrome (HBOC); Hereditary breast and ovarian cancer; BRCA1- and BRCA2-Associated Hereditary Breast and Ovarian Cancer. Identifiers: Orphanet 145, MedGen C0677776, MeSH D061325, MONDO:0003582. Disease mechanism: loss of function.

Allele frequency attached by ClinVar (database versions not stated): gnomAD exomes below 0.00001; ExAC 0.00001; gnomAD 0.00001; TOPMed 0.00001.
gnomAD v4.1: 3 of 1,613,828 alleles (0.00019%); highest among the groups gnomAD compares: Non-Finnish European, 0.00025%; no homozygotes.

Submissions (8):

Ambry Genetics
Classification: Likely benign for Hereditary cancer-predisposing syndrome. Last evaluated: 2025-11-19. Review status: criteria provided, single submitter. Criteria: Ambry Variant Classification Scheme 2023. Collection method: clinical testing. Allele origin: germline.

Labcorp Genetics (formerly Invitae), Labcorp
Classification: Uncertain significance for Hereditary breast ovarian cancer syndrome. Last evaluated: 2025-08-12. Review status: criteria provided, single submitter. Criteria: Invitae Variant Classification Sherloc (09022015). Collection method: clinical testing. Allele origin: germline.
Comment: This sequence change replaces serine, which is neutral and polar, with leucine, which is neutral and non-polar, at codon 1968 of the BRCA2 protein (p.Ser1968Leu). This variant is present in population databases (rs587782597, gnomAD 0.002%). This missense change has been observed in individual(s) with endometrial cancer (PMID: 26689913). ClinVar contains an entry for this variant (Variation ID: 142626). Invitae Evidence Modeling of protein sequence and biophysical properties (such as structural, functional, and spatial information, amino acid conservation, physicochemical variation, residue mobility, and thermodynamic stability) indicates that this missense variant is not expected to disrupt BRCA2 protein function with a negative predictive value of 95%. In summary, the available evidence is currently insufficient to determine the role of this variant in disease. Therefore, it has been classified as a Variant of Uncertain Significance.

Color Diagnostics, LLC DBA Color Health
Classification: Uncertain significance for Hereditary cancer-predisposing syndrome. Last evaluated: 2025-06-17. Review status: criteria provided, single submitter. Criteria: ACMG Guidelines, 2015. Collection method: clinical testing. Allele origin: germline.
Comment: This missense variant replaces serine with leucine at codon 1968 of the BRCA2 protein. Computational prediction suggests that this variant may not impact protein structure and function. To our knowledge, functional studies have not been reported for this variant. This variant has been reported in an individual affected with uterine cancer (PMID: 26689913). This variant has been identified in 2/282340 chromosomes in the general population by the Genome Aggregation Database (gnomAD). The available evidence is insufficient to determine the role of this variant in disease conclusively. Therefore, this variant is classified as a Variant of Uncertain Significance.

Quest Diagnostics Nichols Institute San Juan Capistrano
Classification: Uncertain significance. Last evaluated: 2025-02-25. Review status: criteria provided, single submitter. Criteria: Quest Diagnostics criteria. Collection method: clinical testing. Allele origin: unknown.
Comment: The BRCA2 c.5903C>T (p.Ser1968Leu) variant has been reported in the published literature in an individual with prostate cancer (PMID: 36922933 (2022)), in an individual with unspecified hereditary cancer (PMID: 31853058 (2020)), and in individuals with uterine corpus endometrial carcinoma (PMIDs: 26689913 (2015) and 30311369 (2018)). This variant has also been described to be located in a region of the BRCA2 gene that is tolerant to missense sequence changes (PMID: 31911673 (2020)). The frequency of this variant in the general population (Genome Aggregation Database) is uninformative in the assessment of its pathogenicity. Analysis of this variant using bioinformatics tools for the prediction of the effect of amino acid changes on protein structure and function yielded predictions that this variant is benign. Based on the available information, we are unable to determine the clinical significance of this variant.

Women's Health and Genetics/Laboratory Corporation of America, LabCorp
Classification: Uncertain significance. Last evaluated: 2024-11-26. Review status: criteria provided, single submitter. Criteria: LabCorp Variant Classification Summary - May 2015. Collection method: clinical testing. Allele origin: germline.
Comment: Variant summary: BRCA2 c.5903C>T (p.Ser1968Leu) results in a non-conservative amino acid change in the encoded protein sequence. Four of five in-silico tools predict a benign effect of the variant on protein function. The variant allele was found at a frequency of 4e-06 in 250946 control chromosomes (gnomAD). The available data on variant occurrences in the general population are insufficient to allow any conclusion about variant significance. c.5903C>T has been reported in the literature in a cancer patient (example: Lu_2015). This report does not provide unequivocal conclusions about association of the variant with hereditary breast and ovarian cancer syndrome. To our knowledge, no experimental evidence demonstrating an impact on protein function has been reported. The following publication has been ascertained in the context of this evaluation (PMID: 26689913). ClinVar contains an entry for this variant (Variation ID: 142626). Based on the evidence outlined above, the variant was classified as uncertain significance.

Fulgent Genetics
Classification: Uncertain significance for Familial cancer of breast; Medulloblastoma; Familial prostate cancer; Wilms tumor 1; Fanconi anemia complementation group D1; Breast-ovarian cancer, familial, susceptibility to, 2; Glioma susceptibility 3; Pancreatic cancer, susceptibility to, 2. Last evaluated: 2024-01-07. Review status: criteria provided, single submitter. Criteria: ACMG Guidelines, 2015. Collection method: clinical testing. Allele origin: germline.

All of Us Research Program, National Institutes of Health
Classification: Uncertain significance for Breast-ovarian cancer, familial, susceptibility to, 2. Last evaluated: 2023-08-25. Review status: criteria provided, single submitter. Criteria: ACMG Guidelines, 2015. Collection method: clinical testing. Allele origin: germline. Inheritance: Autosomal dominant inheritance. Observed: 1 variant allele, 1 heterozygote.
Comment: This missense variant replaces serine with leucine at codon 1968 of the BRCA2 protein. Computational prediction suggests that this variant may not impact protein structure and function (internally defined REVEL score threshold <= 0.5, PMID: 27666373). To our knowledge, functional studies have not been reported for this variant. This variant has been reported in individuals affected with uterine cancer (PMID: 26689913). This variant has been identified in 2/282340 chromosomes in the general population by the Genome Aggregation Database (gnomAD). The available evidence is insufficient to determine the role of this variant in disease conclusively. Therefore, this variant is classified as a Variant of Uncertain Significance.

This study involves interpretation of variants in research participants for the purpose of population health screening. Participant phenotype was not available at the time of variant classification. Additional details can be found in publication PMID: 35346344, PMCID: PMC8962531

University of Washington Department of Laboratory Medicine, University of Washington
Classification: Likely benign for Hereditary cancer-predisposing syndrome. Last evaluated: 2023-03-23. Review status: criteria provided, single submitter. Criteria: Dines et al. (Genet Med. 2020). Collection method: curation. Allele origin: germline.
Comment: Missense variant in a coldspot region where missense variants are very unlikely to be pathogenic (PMID:31911673).

BRCA2 exon 11 coldspot. Reclassification based on statistical prior probability.

Literature cited by the submitters: PubMed 26689913 (cited by 5 submitters); PubMed 31911673 (cited by Quest Diagnostics Nichols Institute San Juan Capistrano); PubMed 31853058 (cited by Quest Diagnostics Nichols Institute San Juan Capistrano); PubMed 31819260 (cited by Quest Diagnostics Nichols Institute San Juan Capistrano); PubMed 36922933 (cited by Quest Diagnostics Nichols Institute San Juan Capistrano); PubMed 30311369 (cited by Quest Diagnostics Nichols Institute San Juan Capistrano).